The following is an entry in ClinVar:

NM_001367479.1(DNAH14):c.4805_4806del (p.Lys1602fs)

Gene: DNAH14 (dynein axonemal heavy chain 14; plus strand). Cytogenetic location: 1q42.12.
Variant type: Deletion.
Coding change: c.4805_4806del on transcript NM_001367479.1 (MANE Select); coding-DNA positions 4805 to 4806, 2 bases deleted (AA; older notation c.4805_4806delAA).
Protein change: p.Lys1602fs; shifts the reading frame from lysine 1602.
Molecular consequence: frameshift variant.
Genome position (GRCh38, 1-based): chr1:225,147,114-225,147,115, AA deleted; deleting any 2 consecutive bases within chr1:225,147,112-225,147,115 gives the same sequence; the c. name uses the placement nearest the transcript's 3' end. VCF-style (leftmost placement, unchanged base first): chr1-225147111-GAA-G. GRCh37 (hg19) VCF-style: chr1-225334813-GAA-G.
Other names: NM_001373.1:c.4754_4755del; short protein forms K1602fs.
Identifiers: ClinVar variation 3369169 (VCV003369169.2).

ClinVar aggregate classification (germline): Uncertain significance (1 of 4 stars; one submission).

Submission:

GeneDx
Classification: Uncertain significance. Last evaluated: 2025-09-15. Review status: criteria provided, single submitter. Criteria: GeneDx Variant Classification Process June 2021. Collection method: clinical testing. Allele origin: germline.
Comment: Frameshift variant predicted to result in protein truncation or nonsense mediated decay in a gene or region of a gene for which loss of function is not a well-established mechanism of disease; Not observed at significant frequency in large population cohorts (gnomAD); Has not been previously published as pathogenic or benign to our knowledge